The following is an entry in ClinVar:

ClinVar aggregate classification (germline): Likely pathogenic (1 of 4 stars; one submission).

Conditions:
Autosomal recessive limb-girdle muscular dystrophy type 2O. Also called: MUSCULAR DYSTROPHY-DYSTROGLYCANOPATHY (LIMB-GIRDLE), TYPE C, 3; MUSCULAR DYSTROPHY-DYSTROGLYCANOPATHY, LIMB-GIRDLE, POMGNT1-RELATED; Limb-Girdle Muscular Dystrophy Type 3C. Identifiers: Orphanet 206564, MedGen C3150417, MONDO:0013161, OMIM 613157.
Muscular dystrophy-dystroglycanopathy (congenital with impaired intellectual development), type B, 3. Also called: Muscular dystrophy-dystroglycanopathy (congenital with intellectual disability), type B3; MUSCULAR DYSTROPHY, CONGENITAL, POMGNT1-RELATED. Identifiers: MedGen C3150412, MONDO:0013155, OMIM 613151.

Submission:

Labcorp Genetics (formerly Invitae), Labcorp
Classification: Likely pathogenic for Autosomal recessive limb-girdle muscular dystrophy type 2O; Muscular dystrophy-dystroglycanopathy (congenital with impaired intellectual development), type B, 3. Last evaluated: 2022-02-27. Review status: criteria provided, single submitter. Criteria: Invitae Variant Classification Sherloc (09022015). Collection method: clinical testing. Allele origin: germline.
Comment: This sequence change affects an acceptor splice site in intron 13 of the POMGNT1 gene. It is expected to disrupt RNA splicing. Variants that disrupt the donor or acceptor splice site typically lead to a loss of protein function (PMID: 16199547), and loss-of-function variants in POMGNT1 are known to be pathogenic (PMID: 19299310, 20816175, 21447391, 26908613, 27391550). In summary, the currently available evidence indicates that the variant is pathogenic, but additional data are needed to prove that conclusively. Therefore, this variant has been classified as Likely Pathogenic. Algorithms developed to predict the effect of sequence changes on RNA splicing suggest that this variant may disrupt the consensus splice site. ClinVar contains an entry for this variant (Variation ID: 955510). This variant has not been reported in the literature in individuals affected with POMGNT1-related conditions. This variant is not present in population databases (gnomAD no frequency).

Literature cited by the submitters: PubMed 16199547; PubMed 19299310; PubMed 20816175; PubMed 21447391; PubMed 26908613; PubMed 27391550.

NM_017739.4(POMGNT1):c.1153-1G>C

Genes: POMGNT1 (protein O-linked mannose N-acetylglucosaminyltransferase 1 (beta 1,2-); minus strand), TSPAN1 (tetraspanin 1; plus strand). Cytogenetic location: 1p34.1.
Variant type: single nucleotide variant.
Coding change: c.1153-1G>C on transcript NM_017739.4 (MANE Select); the canonical splice acceptor site of the intron before coding-DNA position 1153, G replaced by C.
Molecular consequence: splice acceptor variant.
Genome position (GRCh38, 1-based): chr1:46,192,959, C>G on the plus strand (G>C on the coding strand, the complement: POMGNT1 is on the minus strand). VCF-style: chr1-46192959-C-G. GRCh37 (hg19) VCF-style: chr1-46658631-C-G.
Other names: c.1153-1G>C (NM_001243766.2, NM_001438686.1, NM_001438688.1 and 3 more transcripts); c.1087-1G>C (NM_001290129.3, NM_001438691.1, NM_001438692.1); c.724-1G>C (NM_001290130.2).
Identifiers: ClinVar variation 955510 (VCV000955510.8), dbSNP rs1657900739, ClinGen allele CA340179236.
Genomic context (GRCh38, chr1:46,192,959, plus strand): 5'-CCTGAAAAAATCCACAGCAATGTCCAGGTCCTCTTCCAGAACCACAGCAAACTTGGCCTC[C>G]TAGAAGGGGAATGGGACATCATGGTCCCAAAGGGGTCTCTCCATCCTGTGATCTCCTTTG-3'